The following is an entry in ClinVar:

ClinVar aggregate classification (germline): Pathogenic/Likely pathogenic. Review status: criteria provided, multiple submitters, no conflicts (2 of 4 stars). 2 submissions from 2 submitters: Pathogenic (1); Likely pathogenic (1). Last evaluated 2024-03-13.

Conditions:
PURA-related severe neonatal hypotonia-seizures-encephalopathy syndrome (NEDRIHF). Also called: PURA-Related Neurodevelopmental Disorders; NEURODEVELOPMENTAL DISORDER WITH NEONATAL RESPIRATORY INSUFFICIENCY, HYPOTONIA, AND FEEDING DIFFICULTIES. Identifiers: Orphanet 438213, Orphanet 438216, MedGen C4015357, MONDO:1060108, OMIM 616158, MONDO:0018580.

Submissions (2):

Institute of Human Genetics, University of Leipzig Medical Center
Classification: Pathogenic for PURA-related severe neonatal hypotonia-seizures-encephalopathy syndrome. Last evaluated: 2024-03-13. Review status: criteria provided, single submitter. Criteria: ACMG Guidelines, 2015. Collection method: clinical testing. Allele origin: de novo. Inheritance: Autosomal dominant inheritance. Affected: yes.
Comment: Criteria applied: PVS1,PS2,PS4_SUP,PM2_SUP

Molecular Diagnostics Laboratory, M Health Fairview: University of Minnesota
Classification: Likely pathogenic for PURA-related severe neonatal hypotonia-seizures-encephalopathy syndrome. Last evaluated: 2018-04-16. Review status: criteria provided, single submitter. Criteria: ACMG Guidelines, 2015. Collection method: clinical testing. Allele origin: germline. Affected: yes. Observed: 1 variant allele.

Literature cited by the submitters: PubMed 25342064 (cited by Molecular Diagnostics Laboratory, M Health Fairview: University of Minnesota); PubMed 29097605 (cited by Molecular Diagnostics Laboratory, M Health Fairview: University of Minnesota); PubMed 27148565 (cited by Molecular Diagnostics Laboratory, M Health Fairview: University of Minnesota).

NM_005859.5(PURA):c.407_420dup (p.Ala142fs)

Genes: PURA (purine rich element binding protein A; plus strand), LOC129994826 (ATAC-STARR-seq lymphoblastoid active region 23260; plus strand). Cytogenetic location: 5q31.3.
Variant type: Duplication.
Coding change: c.407_420dup on transcript NM_005859.5 (MANE Select); coding-DNA positions 407 to 420, 14 bases duplicated (AGGACGAGCCGCGC).
Protein change: p.Ala142fs; shifts the reading frame from alanine 142.
Molecular consequence: frameshift variant.
Genome position (GRCh38, 1-based): chr5:140,114,588-140,114,601, AGGACGAGCCGCGC duplicated; duplicating any 14 consecutive bases within chr5:140,114,584-140,114,601 gives the same sequence; the c. name uses the placement nearest the transcript's 3' end. VCF-style (leftmost placement, unchanged base first): chr5-140114583-G-GGCGCAGGACGAGCC. GRCh37 (hg19) VCF-style: chr5-139494168-G-GGCGCAGGACGAGCC.
Other names: short protein forms A142fs.
Identifiers: ClinVar variation 623216 (VCV000623216.2), dbSNP rs1561793219, ClinGen allele CA913189694.